The following is an entry in ClinVar:

ClinVar aggregate classification (germline): Uncertain significance (1 of 4 stars; one submission).

Submission:

Labcorp Genetics (formerly Invitae), Labcorp
Classification: Uncertain significance. Last evaluated: 2024-10-08. Review status: criteria provided, single submitter. Criteria: Invitae Variant Classification Sherloc (09022015). Collection method: clinical testing. Allele origin: germline.
Comment: This sequence change falls in intron 20 of the NAA35 gene. It does not directly change the encoded amino acid sequence of the NAA35 protein. It affects a nucleotide within the consensus splice site. This variant is not present in population databases (gnomAD no frequency). This variant has not been reported in the literature in individuals affected with NAA35-related conditions. Variants that disrupt the consensus splice site are a relatively common cause of aberrant splicing (PMID: 17576681, 9536098). Algorithms developed to predict the effect of sequence changes on RNA splicing suggest that this variant is not likely to affect RNA splicing. In summary, the available evidence is currently insufficient to determine the role of this variant in disease. Therefore, it has been classified as a Variant of Uncertain Significance.

Literature cited by the submitters: PubMed 17576681; PubMed 9536098.

NM_024635.4(NAA35):c.1914+6C>T

Gene: NAA35 (N-alpha-acetyltransferase 35, NatC auxiliary subunit; plus strand). Cytogenetic location: 9q21.33.
Variant type: single nucleotide variant.
Coding change: c.1914+6C>T on transcript NM_024635.4 (MANE Select); 6 bases into the intron after coding-DNA position 1914, C replaced by T.
Molecular consequence: intron variant.
Genome position (GRCh38, 1-based): chr9:86,018,401, C>T. VCF-style: chr9-86018401-C-T. GRCh37 (hg19) VCF-style: chr9-88633316-C-T.
Other names: c.1914+6C>T (NM_001321882.2, NM_001321881.2).
Identifiers: ClinVar variation 2701575 (VCV002701575.3), dbSNP rs1832338673, ClinGen allele CA2697557821.